The following is an entry in ClinVar:

ClinVar aggregate classification (germline): Likely pathogenic (1 of 4 stars; one submission).

Conditions:
CDKL5 disorder. Identifiers: MedGen CN296942, MONDO:0100039.

Submission:

Centre for Population Genomics, CPG
Classification: Likely pathogenic for CDKL5 disorder. Last evaluated: 2024-09-05. Review status: criteria provided, single submitter. Criteria: McKnight et al. (Hum Mutat. 2022). Collection method: curation. Allele origin: germline. Inheritance: X-linked inheritance.
Comment: This variant has been collected from RettBASE and curated to current modified ACMG/AMP criteria. Based on the classification scheme defined by the ClinGen Rett/Angelman-like Expert Panel for Rett/AS-like Disorders Specifications to the ACMG/AMP Variant Interpretation Guidelines VCEP 3.0, this variant is classified as likely pathogenic. At least the following criteria are met: Predicted to result in loss of function, and LOF is a known mechanism of disease (PVS1). This variant is absent from gnomAD (PM2_Supporting).

NM_001323289.2(CDKL5):c.859_868del (p.Leu287fs)

Gene: CDKL5 (cyclin dependent kinase like 5; plus strand). Cytogenetic location: Xp22.13.
Variant type: Deletion.
Coding change: c.859_868del on transcript NM_001323289.2 (MANE Select); coding-DNA positions 859 to 868, 10 bases deleted (TTGACAGAAC; older notation c.859_868delTTGACAGAAC).
Protein change: p.Leu287fs; shifts the reading frame from leucine 287.
Molecular consequence: frameshift variant.
Genome position (GRCh38, 1-based): chrX:18,598,495-18,598,504, TTGACAGAAC deleted; deleting any 10 consecutive bases within chrX:18,598,493-18,598,504 gives the same sequence; the c. name uses the placement nearest the transcript's 3' end. VCF-style (leftmost placement, unchanged base first): chrX-18598492-TACTTGACAGA-T. GRCh37 (hg19) VCF-style: chrX-18616612-TACTTGACAGA-T.
Other names: NM_003159.3:c.859_868del; c.859_868del, p.Leu287fs (NM_001037343.2, NM_003159.3); short protein forms L287fs.
Identifiers: ClinVar variation 3343988 (VCV003343988.1).